The following is an entry in ClinVar:

ClinVar aggregate classification (germline): Uncertain significance. Review status: criteria provided, multiple submitters, no conflicts (2 of 4 stars). 2 submissions from 2 submitters: Uncertain significance (2). Last evaluated 2025-09-25.

Conditions:
Arrhythmogenic right ventricular dysplasia 13. Also called: ARRHYTHMOGENIC RIGHT VENTRICULAR CARDIOMYOPATHY 13; Arrhythmogenic right ventricular dysplasia, familial, 13. Identifiers: MedGen C3810138, MONDO:0000908, OMIM 615616.

gnomAD v4.1: 4 of 1,612,716 alleles (0.00025%); highest among the groups gnomAD compares: Non-Finnish European, 0.00034%; no homozygotes.

Submissions (2):

Ambry Genetics
Classification: Uncertain significance. Last evaluated: 2025-09-25. Review status: criteria provided, single submitter. Criteria: Ambry Variant Classification Scheme 2023. Collection method: clinical testing. Allele origin: germline.

Labcorp Genetics (formerly Invitae), Labcorp
Classification: Uncertain significance for Arrhythmogenic right ventricular dysplasia 13. Last evaluated: 2025-09-19. Review status: criteria provided, single submitter. Criteria: Invitae Variant Classification Sherloc (09022015). Collection method: clinical testing. Allele origin: germline.
Comment: This sequence change replaces arginine, which is basic and polar, with serine, which is neutral and polar, at codon 95 of the CTNNA3 protein (p.Arg95Ser). This variant is present in population databases (rs746030160, gnomAD 0.002%). This variant has not been reported in the literature in individuals affected with CTNNA3-related conditions. Invitae Evidence Modeling of protein sequence and biophysical properties (such as structural, functional, and spatial information, amino acid conservation, physicochemical variation, residue mobility, and thermodynamic stability) indicates that this missense variant is not expected to disrupt CTNNA3 protein function with a negative predictive value of 80%. In summary, the available evidence is currently insufficient to determine the role of this variant in disease. Therefore, it has been classified as a Variant of Uncertain Significance.

NM_013266.4(CTNNA3):c.283C>A (p.Arg95Ser)

Gene: CTNNA3 (catenin alpha 3; minus strand). Cytogenetic location: 10q21.3.
Variant type: single nucleotide variant.
Coding change: c.283C>A on transcript NM_013266.4 (MANE Select); coding-DNA position 283, C replaced by A.
Protein change: p.Arg95Ser; replaces arginine 95 with serine.
Molecular consequence: missense variant.
Genome position (GRCh38, 1-based): chr10:67,606,866, G>T on the plus strand (C>A on the coding strand, the complement: CTNNA3 is on the minus strand). VCF-style: chr10-67606866-G-T. GRCh37 (hg19) VCF-style: chr10-69366624-G-T.
Other names: c.283C>A, p.Arg95Ser (NM_001127384.3); c.319C>A, p.Arg107Ser (NM_001291133.2); short protein forms R107S, R95S.
Identifiers: ClinVar variation 4657500 (VCV004657500.2).